The following is an entry in ClinVar:

NM_174936.4(PCSK9):c.9C>T (p.Thr3=)

Gene: PCSK9 (proprotein convertase subtilisin/kexin type 9; plus strand). Cytogenetic location: 1p32.3.
Variant type: single nucleotide variant.
Coding change: c.9C>T on transcript NM_174936.4 (MANE Select); coding-DNA position 9, C replaced by T.
Protein change: p.Thr3=; no amino-acid change (threonine 3 retained).
Molecular consequence: synonymous variant.
Genome position (GRCh38, 1-based): chr1:55,039,846, C>T. VCF-style: chr1-55039846-C-T. GRCh37 (hg19) VCF-style: chr1-55505519-C-T.
Identifiers: ClinVar variation 630657 (VCV000630657.13), dbSNP rs1465865735, ClinGen allele CA417957229.

ClinVar aggregate classification (germline): Likely benign. Review status: criteria provided, multiple submitters, no conflicts (2 of 4 stars). 5 submissions from 5 submitters: Likely benign (5). Last evaluated 2025-09-15.

Conditions:
Hypercholesterolemia, autosomal dominant, 3 (FHCL3). Also called: Familial Hypercholesterolemia, Autosomal Dominant, 3; PCSK9-Related Familial Hypercholesterolemia, Autosomal Dominant; Familial hypercholesterolemia 3. Identifiers: MedGen C1863551, MONDO:0011369, OMIM 603776.
Cardiovascular phenotype. Identifiers: MedGen CN230736.
Familial hypercholesterolemia. Also called: Familial hypercholesterolemias; Familial hypercholesterolaemia. Identifiers: MedGen C0020445, MONDO:0005439.

Allele frequency attached by ClinVar (database versions not stated): gnomAD exomes 0.00002.
gnomAD v4.1: 17 of 1,566,054 alleles (0.0011%); highest among the groups gnomAD compares: Middle Eastern, 0.042%; no homozygotes.

Submissions (5):

Labcorp Genetics (formerly Invitae), Labcorp
Classification: Likely benign for Hypercholesterolemia, autosomal dominant, 3. Last evaluated: 2025-09-15. Review status: criteria provided, single submitter. Criteria: Invitae Variant Classification Sherloc (09022015). Collection method: clinical testing. Allele origin: germline.

Ambry Genetics
Classification: Likely benign for Cardiovascular phenotype. Last evaluated: 2024-08-31. Review status: criteria provided, single submitter. Criteria: Ambry Variant Classification Scheme 2023. Collection method: clinical testing. Allele origin: germline.

All of Us Research Program, National Institutes of Health
Classification: Likely benign for Hypercholesterolemia, autosomal dominant, 3. Last evaluated: 2024-01-03. Review status: criteria provided, single submitter. Criteria: ACMG Guidelines, 2015. Collection method: clinical testing. Allele origin: germline. Inheritance: Autosomal dominant inheritance. Observed: 4 variant alleles, 4 heterozygotes.
Comment: This study involves interpretation of variants in research participants for the purpose of population health screening. Participant phenotype was not available at the time of variant classification. Additional details can be found in publication PMID: 35346344, PMCID: PMC8962531

Fulgent Genetics
Classification: Likely benign for Hypercholesterolemia, autosomal dominant, 3. Last evaluated: 2021-07-16. Review status: criteria provided, single submitter. Criteria: ACMG Guidelines, 2015. Collection method: clinical testing. Allele origin: unknown.

Color Diagnostics, LLC DBA Color Health
Classification: Likely benign for Familial hypercholesterolemias. Last evaluated: 2018-07-16. Review status: criteria provided, single submitter. Criteria: ACMG Guidelines, 2015. Collection method: clinical testing. Allele origin: germline.